The following is an entry in ClinVar:

NM_021954.4(GJA3):c.65G>T (p.Gly22Val)

Gene: GJA3 (gap junction protein alpha 3; minus strand). Cytogenetic location: 13q12.11.
Variant type: single nucleotide variant.
Coding change: c.65G>T on transcript NM_021954.4 (MANE Select); coding-DNA position 65, G replaced by T.
Protein change: p.Gly22Val; replaces glycine 22 with valine.
Molecular consequence: missense variant.
Genome position (GRCh38, 1-based): chr13:20,143,224, C>A on the plus strand (G>T on the coding strand, the complement: GJA3 is on the minus strand). VCF-style: chr13-20143224-C-A. GRCh37 (hg19) VCF-style: chr13-20717363-C-A.
Other names: short protein forms G22V.
Identifiers: ClinVar variation 3345933 (VCV003345933.2).

ClinVar aggregate classification (germline): Likely pathogenic. Review status: criteria provided, single submitter (1 of 4 stars). 2 submissions from 2 submitters: Likely pathogenic (1). 1 of the submissions does not count toward it. Last evaluated 2026-04-16.

Conditions:
Cataract 14 multiple types. Also called: CATARACT 14, ZONULAR PULVERULENT; CATARACT 14, NUCLEAR PULVERULENT; CATARACT 14, NUCLEAR PULVERULENT AND POSTERIOR POLAR; CATARACT 14, NUCLEAR CORALLIFORM; CATARACT 14, EMBRYONAL NUCLEAR; CATARACT 14, COPPOCK-LIKE. Identifiers: Orphanet 91492, MedGen C1866078, MONDO:0011162, OMIM 601885.
GJA3-related disorder. Also called: GJA3-related condition.

Submissions (2):

Institute of Medical Genetics and Applied Genomics, University Hospital Tübingen
Classification: Likely pathogenic for Cataract 14 multiple types. Last evaluated: 2026-04-16. Review status: criteria provided, single submitter. Criteria: ACMG Guidelines, 2015. Collection method: clinical testing. Allele origin: germline. Inheritance: Autosomal dominant inheritance. Affected: yes.

PreventionGenetics, part of Exact Sciences
Classification: Uncertain significance for GJA3-related condition. Last evaluated: 2024-05-03. Review status: no assertion criteria provided. Collection method: clinical testing. Allele origin: germline. Not counted in ClinVar's aggregate classification.
Comment: The GJA3 c.65G>T variant is predicted to result in the amino acid substitution p.Gly22Val. To our knowledge, this variant has not been reported in the literature or in a large population database, indicating this variant is rare. Of note, another variant impacting the same amino acid (p.Gly22Ser) has been documented in two unrelated families with congenital cataracts (Ye et al. 2019. PubMed ID: 31618082). Although we suspect that this variant may be pathogenic, at this time, the clinical significance of the c.65G>T (p.Gly22Val) variant is uncertain due to the absence of conclusive functional and genetic evidence.